The following is an entry in ClinVar:

ClinVar aggregate classification (germline): Benign. Review status: criteria provided, multiple submitters, no conflicts (2 of 4 stars). 2 submissions from 2 submitters: Benign (2). Last evaluated 2016-10-31.

Allele frequency attached by ClinVar (database versions not stated): 1000 Genomes Project 0.01278.

Submissions (2):

GeneDx
Classification: Benign. Last evaluated: 2016-10-31. Review status: criteria provided, single submitter. Criteria: GeneDx Variant Classification (06012015). Collection method: clinical testing. Allele origin: germline. Affected: yes.
Comment: This variant is considered likely benign or benign based on one or more of the following criteria: it is a conservative change, it occurs at a poorly conserved position in the protein, it is predicted to be benign by multiple in silico algorithms, and/or has population frequency not consistent with disease.

Breakthrough Genomics
Classification: Benign. Review status: criteria provided, single submitter. Criteria: ACMG Guidelines, 2015. Collection method: not provided. Allele origin: germline. Inheritance: Autosomal recessive inheritance. Affected: yes.

NM_000083.3(CLCN1):c.-14C>A

Gene: CLCN1 (chloride voltage-gated channel 1; plus strand). Cytogenetic location: 7q34.
Variant type: single nucleotide variant.
Coding change: c.-14C>A on transcript NM_000083.3 (MANE Select); 14 bases upstream of the start codon, C replaced by A.
Molecular consequence: 5 prime UTR variant. On other transcripts: non-coding transcript variant (1).
Genome position (GRCh38, 1-based): chr7:143,316,199, C>A. VCF-style: chr7-143316199-C-A. GRCh37 (hg19) VCF-style: chr7-143013292-C-A.
Identifiers: ClinVar variation 383612 (VCV000383612.2), dbSNP rs2280663, ClinGen allele CA4536784.